The following is an entry in ClinVar:

ClinVar aggregate classification (germline): Pathogenic/Likely pathogenic. Review status: criteria provided, multiple submitters, no conflicts (2 of 4 stars). 6 submissions from 6 submitters: Pathogenic (4); Likely pathogenic (2). Last evaluated 2026-04-13.

Conditions:
BBS5-related disorder. Also called: BBS5-related condition.
Bardet-Biedl syndrome (BBS). Identifiers: Orphanet 110, MedGen C0752166, MONDO:0015229.
Bardet-Biedl syndrome 5 (BBS5). Identifiers: Orphanet 110, MedGen C3892039, MONDO:0014434, OMIM 615983.

Allele frequency attached by ClinVar (database versions not stated): gnomAD exomes 0.00004; TOPMed 0.00004.
gnomAD v4.1: 11 of 1,608,594 alleles (0.00068%); highest among the groups gnomAD compares: Admixed American, 0.018%; no homozygotes.

Submissions (6):

PreventionGenetics, part of Exact Sciences
Classification: Pathogenic for BBS5-related condition. Last evaluated: 2026-04-13. Review status: criteria provided, single submitter. Criteria: ACMG Guidelines, 2015. Collection method: clinical testing. Allele origin: germline.
Comment: The BBS5 c.143-1G>C variant is predicted to disrupt the AG splice acceptor site and interfere with normal splicing. This variant has been reported in individuals with autosomal recessive inherited retinal disease and Bardet-Biedl syndrome (Table 1 in Villanueva-Mendoza et al. 2021. PubMed ID: 34828430; Suppl. Table S7 in Perea-Romero et al. 2021. PubMed ID: 34448047; Suppl. Table 4 in Perea-Romero. 2022. PubMed ID: 35835773; Table 3 in Villafuerte-de la Cruz et al. 2024. PubMed ID: 38347443). This variant is reported in 0.029% of alleles in individuals of Latino descent in gnomAD. Variants that disrupt the consensus splice acceptor site in BBS5 are expected to be pathogenic. This variant is interpreted as pathogenic.

Labcorp Genetics (formerly Invitae), Labcorp
Classification: Pathogenic for Bardet-Biedl syndrome. Last evaluated: 2025-10-22. Review status: criteria provided, single submitter. Criteria: Invitae Variant Classification Sherloc (09022015). Collection method: clinical testing. Allele origin: germline.
Comment: This sequence change affects an acceptor splice site in intron 2 of the BBS5 gene. It is expected to disrupt RNA splicing. Variants that disrupt the donor or acceptor splice site typically lead to a loss of protein function (PMID: 16199547), and loss-of-function variants in BBS5 are known to be pathogenic (PMID: 15137946, 16877420, 26325687, 27708425, 28041643, 29806606). This variant is present in population databases (no rsID available, gnomAD 0.03%). Disruption of this splice site has been observed in individual(s) with clinical features of Bardet-Biedl syndrome (internal data). In at least one individual the data is consistent with being in trans (on the opposite chromosome) from a pathogenic variant. It has also been observed to segregate with disease in related individuals. ClinVar contains an entry for this variant (Variation ID: 569727). Algorithms developed to predict the effect of sequence changes on RNA splicing suggest that this variant may disrupt the consensus splice site. For these reasons, this variant has been classified as Pathogenic.

GeneDx
Classification: Likely pathogenic. Last evaluated: 2022-03-03. Review status: criteria provided, single submitter. Criteria: GeneDx Variant Classification Process June 2021. Collection method: clinical testing. Allele origin: germline. Affected: yes.
Comment: Canonical splice site variant expected to result in aberrant splicing, although in the absence of functional evidence the actual effect of this sequence change is unknown.; This variant is associated with the following publications: (PMID: 31589614, 34828430)

Blueprint Genetics
Classification: Pathogenic for BBS5-related disorders. Last evaluated: 2021-09-28. Review status: criteria provided, single submitter. Criteria: ACMG Guidelines, 2015. Collection method: clinical testing. Allele origin: germline. Affected: yes. Observed: 3 variant alleles.

DBGen Ocular Genomics
Classification: Pathogenic for Bardet-Biedl syndrome 5. Last evaluated: 2021-05-19. Review status: criteria provided, single submitter. Criteria: ACMG Guidelines, 2015. Collection method: clinical testing. Allele origin: germline. Affected: yes. Observed: 2 variant alleles.

Fulgent Genetics
Classification: Likely pathogenic for Bardet-Biedl syndrome 5. Last evaluated: 2018-10-31. Review status: criteria provided, single submitter. Criteria: ACMG Guidelines, 2015. Collection method: clinical testing. Allele origin: unknown.

Literature cited by the submitters: PubMed 16199547 (cited by Labcorp Genetics (formerly Invitae), Labcorp); PubMed 15137946 (cited by Labcorp Genetics (formerly Invitae), Labcorp); PubMed 16877420 (cited by Labcorp Genetics (formerly Invitae), Labcorp); PubMed 26325687 (cited by Labcorp Genetics (formerly Invitae), Labcorp); PubMed 27708425 (cited by Labcorp Genetics (formerly Invitae), Labcorp); PubMed 28041643 (cited by Labcorp Genetics (formerly Invitae), Labcorp); PubMed 29806606 (cited by Labcorp Genetics (formerly Invitae), Labcorp).

NM_152384.3(BBS5):c.143-1G>C

Gene: BBS5 (Bardet-Biedl syndrome 5; plus strand). Cytogenetic location: 2q31.1.
Variant type: single nucleotide variant.
Coding change: c.143-1G>C on transcript NM_152384.3 (MANE Select); the canonical splice acceptor site of the intron before coding-DNA position 143, G replaced by C.
Molecular consequence: splice acceptor variant.
Genome position (GRCh38, 1-based): chr2:169,487,068, G>C. VCF-style: chr2-169487068-G-C. GRCh37 (hg19) VCF-style: chr2-170343578-G-C.
Identifiers: ClinVar variation 569727 (VCV000569727.16), dbSNP rs1054138918, ClinGen allele CA59929664.
Genomic context (GRCh38, chr2:169,487,068, plus strand): 5'-TCAGTGCTGCAAAAATGGGTTCTTATTTAAGTTAACCTATTTTTTGTCTGTGTGCTTTTA[G>C]GTAGACTCTTGGTAACAAATTTAAGAATTCTCTGGCACTCTTTGGCATTATCAAGAGTCA-3'